The following is an entry in ClinVar:

NM_002692.4(POLE2):c.914G>A (p.Arg305His)

Gene: POLE2 (DNA polymerase epsilon 2, accessory subunit; minus strand). Cytogenetic location: 14q21.3.
Variant type: single nucleotide variant.
Coding change: c.914G>A on transcript NM_002692.4 (MANE Select); coding-DNA position 914, G replaced by A.
Protein change: p.Arg305His; replaces arginine 305 with histidine.
Molecular consequence: missense variant.
Genome position (GRCh38, 1-based): chr14:49,655,685, C>T on the plus strand (G>A on the coding strand, the complement: POLE2 is on the minus strand). VCF-style: chr14-49655685-C-T. GRCh37 (hg19) VCF-style: chr14-50122403-C-T.
Other names: c.836G>A, p.Arg279His (NM_001197330.2); c.914G>A, p.Arg305His (NM_001197331.3, NM_001348384.2); c.683G>A, p.Arg228His (NM_001348385.2); short protein forms R228H, R279H, R305H.
Identifiers: ClinVar variation 1441322 (VCV001441322.8), dbSNP rs767820176, ClinGen allele CA7173454.

ClinVar aggregate classification (germline): Uncertain significance (1 of 4 stars; one submission).

Allele frequency attached by ClinVar (database versions not stated): ExAC 0.00001; gnomAD 0.00001; gnomAD exomes 0.00001.

Submission:

Labcorp Genetics (formerly Invitae), Labcorp
Classification: Uncertain significance. Last evaluated: 2025-12-15. Review status: criteria provided, single submitter. Criteria: Invitae Variant Classification Sherloc (09022015). Collection method: clinical testing. Allele origin: germline.
Comment: This sequence change replaces arginine, which is basic and polar, with histidine, which is basic and polar, at codon 305 of the POLE2 protein (p.Arg305His). The frequency data for this variant in the population databases is considered unreliable, as metrics indicate poor data quality at this position in the gnomAD database. This variant has not been reported in the literature in individuals affected with POLE2-related conditions. ClinVar contains an entry for this variant (Variation ID: 1441322). An algorithm developed to predict the effect of missense changes on protein structure and function outputs the following: PolyPhen-2: "Benign". The histidine amino acid residue is found in multiple mammalian species, which suggests that this missense change does not adversely affect protein function. In summary, the available evidence is currently insufficient to determine the role of this variant in disease. Therefore, it has been classified as a Variant of Uncertain Significance.